The following is an entry in ClinVar:

ClinVar aggregate classification (germline): Likely benign. Review status: criteria provided, multiple submitters, no conflicts (2 of 4 stars). 2 submissions from 2 submitters: Likely benign (2). Last evaluated 2025-10-02.

Conditions:
Cutis laxa, autosomal dominant 3 (ADCL3). Identifiers: Orphanet 90348, MedGen C4225268, MONDO:0014706, OMIM 616603.
Autosomal dominant spastic paraplegia type 9. Identifiers: MedGen C1832669, MONDO:0015091.
de Barsy syndrome. Also called: Cutis laxa-corneal clouding-oligophrenia syndrome. Identifiers: Orphanet 2962, MedGen C0268354, MONDO:0017569.

Allele frequency attached by ClinVar (database versions not stated): gnomAD 0.00004 and 0.00006; 1000 Genomes Project 30x 0.00016; 1000 Genomes Project 0.00020; ExAC 0.00002; gnomAD exomes 0.00004 and 0.00013; TOPMed 0.00005; ESP Exome Variant Server 0.00031.
gnomAD v4.1: 190 of 1,614,122 alleles (0.012%); highest among the groups gnomAD compares: Non-Finnish European, 0.015%; no homozygotes.

Submissions (2):

Labcorp Genetics (formerly Invitae), Labcorp
Classification: Likely benign for Autosomal dominant spastic paraplegia type 9; de Barsy syndrome; Cutis laxa, autosomal dominant 3. Last evaluated: 2025-10-02. Review status: criteria provided, single submitter. Criteria: Invitae Variant Classification Sherloc (09022015). Collection method: clinical testing. Allele origin: germline.

GeneDx
Classification: Likely benign. Last evaluated: 2018-04-09. Review status: criteria provided, single submitter. Criteria: GeneDx Variant Classification (06012015). Collection method: clinical testing. Allele origin: germline. Affected: yes.
Comment: This variant is considered likely benign or benign based on one or more of the following criteria: it is a conservative change, it occurs at a poorly conserved position in the protein, it is predicted to be benign by multiple in silico algorithms, and/or has population frequency not consistent with disease.

NM_002860.4(ALDH18A1):c.1014C>T (p.His338=)

Gene: ALDH18A1 (aldehyde dehydrogenase 18 family member A1; minus strand). Cytogenetic location: 10q24.1.
Variant type: single nucleotide variant.
Coding change: c.1014C>T on transcript NM_002860.4 (MANE Select); coding-DNA position 1014, C replaced by T.
Protein change: p.His338=; no amino-acid change (histidine 338 retained).
Molecular consequence: synonymous variant.
Genome position (GRCh38, 1-based): chr10:95,627,506, G>A on the plus strand (C>T on the coding strand, the complement: ALDH18A1 is on the minus strand). VCF-style: chr10-95627506-G-A. GRCh37 (hg19) VCF-style: chr10-97387263-G-A.
Other names: c.1008C>T, p.His336= (NM_001017423.2, NM_001323415.2); c.681C>T, p.His227= (NM_001323412.2, NM_001323416.2); c.1014C>T, p.His338= (NM_001323413.2, NM_001323414.2); c.909C>T, p.His303= (NM_001323417.2); c.675C>T, p.His225= (NM_001323418.2); c.378C>T, p.His126= (NM_001323419.2).
Identifiers: ClinVar variation 681636 (VCV000681636.9), dbSNP rs150056435, ClinGen allele CA5620447.
Genomic context (GRCh38, chr10:95,627,506, plus strand): 5'-AGGCTTTACTTCTGAAAAGAAGGTACCAACTTTCTTCCCCTCCACAATGTCTGTGATGAC[G>A]TGCCCAGACACCTTTGGGTGGGTTCCATTGGCAATAACAACAGAAGTGCCACCTTGCAAA-3'
Protein context (NP_002851.2, residues 328-348): ANGTHPKVSG[His338=]VITDIVEGKK